The following is an entry in ClinVar:

NM_000214.3(JAG1):c.1670G>A (p.Gly557Asp)

Gene: JAG1 (jagged canonical Notch ligand 1; minus strand). Cytogenetic location: 20p12.2.
Variant type: single nucleotide variant.
Coding change: c.1670G>A on transcript NM_000214.3 (MANE Select); coding-DNA position 1670, G replaced by A.
Protein change: p.Gly557Asp; replaces glycine 557 with aspartic acid.
Molecular consequence: missense variant.
Genome position (GRCh38, 1-based): chr20:10,648,010, C>T on the plus strand (G>A on the coding strand, the complement: JAG1 is on the minus strand). VCF-style: chr20-10648010-C-T. GRCh37 (hg19) VCF-style: chr20-10628658-C-T.
Other names: c.1670G>A (NM_000214.2); short protein forms G557D.
Identifiers: ClinVar variation 4944426 (VCV004944426.2).

ClinVar aggregate classification (germline): Uncertain significance. Review status: criteria provided, multiple submitters, no conflicts (2 of 4 stars). 2 submissions from 2 submitters: Uncertain significance (2). Last evaluated 2026-06-11.

Conditions:
JAG1-related disorder. Also called: JAG1-related condition; JAG1-related disorders.

gnomAD v4.1: 1 of 1,614,148 alleles (0.000062%); highest among the groups gnomAD compares: Non-Finnish European, 0.000085%; no homozygotes.

Submissions (2):

PreventionGenetics, part of Exact Sciences
Classification: Uncertain significance for JAG1-related condition. Last evaluated: 2026-06-11. Review status: criteria provided, single submitter. Criteria: ACMG Guidelines, 2015. Collection method: clinical testing. Allele origin: germline.
Comment: The JAG1 c.1670G>A variant is predicted to result in the amino acid substitution p.Gly557Asp. To our knowledge, this variant has not been reported in the literature or in a large population database (gnomAD), indicating this variant is rare. Although we suspect this variant is benign, at this time, the clinical significance of this variant is uncertain due to the absence of conclusive functional and genetic evidence.

Blueprint Genetics
Classification: Uncertain significance. Last evaluated: 2024-11-15. Review status: criteria provided, single submitter. Criteria: ACMG Guidelines, 2015. Collection method: clinical testing. Allele origin: germline.